The following is an entry in ClinVar:

NM_004208.4(AIFM1):c.367G>A (p.Val123Ile)

Genes: AIFM1 (apoptosis inducing factor mitochondria associated 1; minus strand), RAB33A (RAB33A, member RAS oncogene family; plus strand). Cytogenetic location: Xq26.1.
Variant type: single nucleotide variant.
Coding change: c.367G>A on transcript NM_004208.4 (MANE Select); coding-DNA position 367, G replaced by A.
Protein change: p.Val123Ile; replaces valine 123 with isoleucine.
Molecular consequence: missense variant. On other transcripts: non-coding transcript variant (1).
Genome position (GRCh38, 1-based): chrX:130,147,859, C>T on the plus strand (G>A on the coding strand, the complement: AIFM1 is on the minus strand). VCF-style: chrX-130147859-C-T. GRCh37 (hg19) VCF-style: chrX-129281834-C-T.
Other names: c.367G>A, p.Val123Ile (NM_001130847.4); c.355G>A, p.Val119Ile (NM_145812.3); short protein forms V119I, V123I.
Identifiers: ClinVar variation 3756246 (VCV003756246.2).

ClinVar aggregate classification (germline): Uncertain significance (1 of 4 stars; one submission).

Conditions:
Charcot-Marie-Tooth Neuropathy X. Identifiers: MedGen CN118851.
Combined oxidative phosphorylation deficiency. Identifiers: MedGen C4540031, MONDO:0000732.

Submission:

Labcorp Genetics (formerly Invitae), Labcorp
Classification: Uncertain significance for Charcot-Marie-Tooth Neuropathy X; Combined oxidative phosphorylation deficiency. Last evaluated: 2024-11-04. Review status: criteria provided, single submitter. Criteria: Invitae Variant Classification Sherloc (09022015). Collection method: clinical testing. Allele origin: germline.
Comment: This sequence change replaces valine, which is neutral and non-polar, with isoleucine, which is neutral and non-polar, at codon 123 of the AIFM1 protein (p.Val123Ile). This variant is not present in population databases (gnomAD no frequency). This variant has not been reported in the literature in individuals affected with AIFM1-related conditions. Invitae Evidence Modeling of protein sequence and biophysical properties (such as structural, functional, and spatial information, amino acid conservation, physicochemical variation, residue mobility, and thermodynamic stability) indicates that this missense variant is not expected to disrupt AIFM1 protein function with a negative predictive value of 80%. In summary, the available evidence is currently insufficient to determine the role of this variant in disease. Therefore, it has been classified as a Variant of Uncertain Significance.